The following is an entry in ClinVar:

ClinVar aggregate classification (germline): Uncertain significance. Review status: criteria provided, multiple submitters, no conflicts (2 of 4 stars). 2 submissions from 2 submitters: Uncertain significance (2). Last evaluated 2024-03-16.

Conditions:
Hereditary cancer-predisposing syndrome. Also called: Hereditary Cancer Syndrome; Hereditary neoplastic syndrome; Neoplastic Syndromes, Hereditary; Tumor predisposition. Identifiers: Orphanet 140162, MedGen C0027672, MeSH D009386, MONDO:0015356.
Ataxia-telangiectasia syndrome (AT). Also called: Ataxia-telangiectasia, complementation group E; LOUIS-BAR SYNDROME; Cerebello-oculocutaneous telangiectasia; Immunodeficiency with ataxia telangiectasia; Ataxia-telangiectasia, complementation group D; AT, COMPLEMENTATION GROUP C. Identifiers: Orphanet 100, MedGen C0004135, MONDO:0008840, OMIM 208900.

Allele frequency attached by ClinVar (database versions not stated): gnomAD exomes below 0.00001.
gnomAD v4.1: 1 of 1,612,428 alleles (0.000062%); highest among the groups gnomAD compares: Admixed American, 0.0017%; no homozygotes.

Submissions (2):

Labcorp Genetics (formerly Invitae), Labcorp
Classification: Uncertain significance for Ataxia-telangiectasia syndrome. Last evaluated: 2024-03-16. Review status: criteria provided, single submitter. Criteria: Invitae Variant Classification Sherloc (09022015). Collection method: clinical testing. Allele origin: germline.
Comment: This sequence change replaces valine, which is neutral and non-polar, with leucine, which is neutral and non-polar, at codon 128 of the ATM protein (p.Val128Leu). This variant is not present in population databases (gnomAD no frequency). This variant has not been reported in the literature in individuals affected with ATM-related conditions. ClinVar contains an entry for this variant (Variation ID: 919240). An algorithm developed to predict the effect of missense changes on protein structure and function (PolyPhen-2) suggests that this variant is likely to be tolerated. In summary, the available evidence is currently insufficient to determine the role of this variant in disease. Therefore, it has been classified as a Variant of Uncertain Significance.

Color Diagnostics, LLC DBA Color Health
Classification: Uncertain significance for Hereditary cancer-predisposing syndrome. Last evaluated: 2023-05-23. Review status: criteria provided, single submitter. Criteria: ACMG Guidelines, 2015. Collection method: clinical testing. Allele origin: germline.
Comment: This missense variant replaces valine with leucine at codon 128 of the ATM protein. Computational prediction suggests that this variant may not impact protein structure and function (internally defined REVEL score threshold <= 0.5, PMID: 27666373). To our knowledge, functional studies have not been reported for this variant. This variant has not been reported in individuals affected with ATM-related disorders in the literature. This variant has not been identified in the general population by the Genome Aggregation Database (gnomAD). The available evidence is insufficient to determine the role of this variant in disease conclusively. Therefore, this variant is classified as a Variant of Uncertain Significance.

NM_000051.4(ATM):c.382G>C (p.Val128Leu)

Gene: ATM (ATM serine/threonine kinase; plus strand). Cytogenetic location: 11q22.3.
Variant type: single nucleotide variant.
Coding change: c.382G>C on transcript NM_000051.4 (MANE Select); coding-DNA position 382, G replaced by C.
Protein change: p.Val128Leu; replaces valine 128 with leucine.
Molecular consequence: missense variant.
Genome position (GRCh38, 1-based): chr11:108,235,720, G>C. VCF-style: chr11-108235720-G-C. GRCh37 (hg19) VCF-style: chr11-108106447-G-C.
Other names: c.382G>C, p.Val128Leu (NM_001351834.2); short protein forms V128L.
Identifiers: ClinVar variation 919240 (VCV000919240.15), dbSNP rs587779835, ClinGen allele CA382524820.
Genomic context (GRCh38, chr11:108,235,720, plus strand): 5'-TTTGAAATAGGAGCACCTAGGCTAAAATGTCAAGAACTCTTAAATTATATCATGGATACA[G>C]TGAAAGATTCATCTAATGGTGCTATTTACGGAGCTGATTGTAGCAACATACTACTCAAAG-3'
Protein context (NP_000042.3, residues 118-138): QELLNYIMDT[Val128Leu]KDSSNGAIYG